The following is an entry in ClinVar:

ClinVar aggregate classification (germline): Uncertain significance. Review status: criteria provided, multiple submitters, no conflicts (2 of 4 stars). 2 submissions from 2 submitters: Uncertain significance (2). Last evaluated 2025-10-06.

Conditions:
Inborn genetic diseases. Identifiers: MedGen C0950123, MeSH D030342.

gnomAD v4.1: 23 of 1,613,926 alleles (0.0014%); highest among the groups gnomAD compares: Non-Finnish European, 0.0019%; no homozygotes.

Submissions (2):

Labcorp Genetics (formerly Invitae), Labcorp
Classification: Uncertain significance. Last evaluated: 2025-10-06. Review status: criteria provided, single submitter. Criteria: Invitae Variant Classification Sherloc (09022015). Collection method: clinical testing. Allele origin: germline.
Comment: This sequence change replaces serine, which is neutral and polar, with threonine, which is neutral and polar, at codon 32 of the FAT4 protein (p.Ser32Thr). This variant is not present in population databases (gnomAD no frequency). This variant has not been reported in the literature in individuals affected with FAT4-related conditions. ClinVar contains an entry for this variant (Variation ID: 3706905). Invitae Evidence Modeling of protein sequence and biophysical properties (such as structural, functional, and spatial information, amino acid conservation, physicochemical variation, residue mobility, and thermodynamic stability) indicates that this missense variant is not expected to disrupt FAT4 protein function with a negative predictive value of 95%. In summary, the available evidence is currently insufficient to determine the role of this variant in disease. Therefore, it has been classified as a Variant of Uncertain Significance.

Ambry Genetics
Classification: Uncertain significance for Inborn genetic diseases. Last evaluated: 2025-08-11. Review status: criteria provided, single submitter. Criteria: Ambry Variant Classification Scheme 2023. Collection method: clinical testing. Allele origin: germline.

NM_001291303.3(FAT4):c.94T>A (p.Ser32Thr)

Gene: FAT4 (FAT atypical cadherin 4; plus strand). Cytogenetic location: 4q28.1.
Variant type: single nucleotide variant.
Coding change: c.94T>A on transcript NM_001291303.3 (MANE Select); coding-DNA position 94, T replaced by A.
Protein change: p.Ser32Thr; replaces serine 32 with threonine.
Molecular consequence: missense variant.
Genome position (GRCh38, 1-based): chr4:125,316,505, T>A. VCF-style: chr4-125316505-T-A. GRCh37 (hg19) VCF-style: chr4-126237660-T-A.
Other names: c.94T>A (NM_024582.4); c.94T>A, p.Ser32Thr (NM_001291285.3, NM_024582.6); short protein forms S32T.
Identifiers: ClinVar variation 3706905 (VCV003706905.3).